The following is an entry in ClinVar:

ClinVar aggregate classification (germline): Uncertain significance. Review status: criteria provided, multiple submitters, no conflicts (2 of 4 stars). 4 submissions from 4 submitters: Uncertain significance (4). Last evaluated 2024-09-02.

Conditions:
Hydrolethalus syndrome 2 (HLS2). Identifiers: Orphanet 2189, MedGen C3279899, MONDO:0013585, OMIM 614120.
Multiple epiphyseal dysplasia, Al-Gazali type. Also called: Macrocephaly with multiple epiphyseal dysplasia and distinctive facies. Identifiers: Orphanet 166024, MedGen C1846722, MONDO:0011778, OMIM 607131.
Acrocallosal syndrome (ACLS). Also called: HALLUX DUPLICATION, POSTAXIAL POLYDACTYLY, AND ABSENCE OF CORPUS CALLOSUM; Schinzel syndrome 1; Absence of corpus callosum with unusual facial appearance, mental deficiency, duplication of the halluces and polydactyly. Identifiers: Orphanet 36, MedGen C0796147, MONDO:0008708, OMIM 200990.

Allele frequency attached by ClinVar (database versions not stated): gnomAD exomes 0.00007; ExAC 0.00008; ESP Exome Variant Server 0.00008; gnomAD 0.00011; TOPMed 0.00011.
gnomAD v4.1: 129 of 1,606,500 alleles (0.008%); highest among the groups gnomAD compares: Non-Finnish European, 0.01%; no homozygotes.

Submissions (4):

Blueprint Genetics
Classification: Uncertain significance. Last evaluated: 2024-09-02. Review status: criteria provided, single submitter. Criteria: ACMG Guidelines, 2015. Collection method: clinical testing. Allele origin: germline.

Fulgent Genetics
Classification: Uncertain significance for Acrocallosal syndrome; Multiple epiphyseal dysplasia, Al-Gazali type; Hydrolethalus syndrome 2. Last evaluated: 2024-01-25. Review status: criteria provided, single submitter. Criteria: ACMG Guidelines, 2015. Collection method: clinical testing. Allele origin: germline.

Labcorp Genetics (formerly Invitae), Labcorp
Classification: Uncertain significance for Acrocallosal syndrome. Last evaluated: 2022-10-24. Review status: criteria provided, single submitter. Criteria: Invitae Variant Classification Sherloc (09022015). Collection method: clinical testing. Allele origin: germline.
Comment: This sequence change replaces glutamine, which is neutral and polar, with arginine, which is basic and polar, at codon 740 of the KIF7 protein (p.Gln740Arg). This variant is present in population databases (rs147679100, gnomAD 0.01%). This variant has not been reported in the literature in individuals affected with KIF7-related conditions. ClinVar contains an entry for this variant (Variation ID: 287395). Advanced modeling of protein sequence and biophysical properties (such as structural, functional, and spatial information, amino acid conservation, physicochemical variation, residue mobility, and thermodynamic stability) has been performed at Invitae for this missense variant, however the output from this modeling did not meet the statistical confidence thresholds required to predict the impact of this variant on KIF7 protein function. In summary, the available evidence is currently insufficient to determine the role of this variant in disease. Therefore, it has been classified as a Variant of Uncertain Significance.

Eurofins Ntd Llc (ga)
Classification: Uncertain significance. Last evaluated: 2016-06-02. Review status: criteria provided, single submitter. Criteria: EGL Classification Definitions 2015. Collection method: clinical testing. Allele origin: germline. Observed: 1 variant allele, 1 heterozygote.

NM_198525.3(KIF7):c.2219A>G (p.Gln740Arg)

Gene: KIF7 (kinesin family member 7; minus strand). Cytogenetic location: 15q26.1.
Variant type: single nucleotide variant.
Coding change: c.2219A>G on transcript NM_198525.3 (MANE Select); coding-DNA position 2219, A replaced by G.
Protein change: p.Gln740Arg; replaces glutamine 740 with arginine.
Molecular consequence: missense variant.
Genome position (GRCh38, 1-based): chr15:89,642,378, T>C on the plus strand (A>G on the coding strand, the complement: KIF7 is on the minus strand). VCF-style: chr15-89642378-T-C. GRCh37 (hg19) VCF-style: chr15-90185609-T-C.
Other names: short protein forms Q740R.
Identifiers: ClinVar variation 287395 (VCV000287395.10), dbSNP rs147679100, ClinGen allele CA7728267.